The following is an entry in ClinVar:

ClinVar aggregate classification (germline): Pathogenic (1 of 4 stars; one submission).

Conditions:
Hereditary cancer-predisposing syndrome. Also called: Hereditary neoplastic syndrome; Tumor predisposition; Hereditary Cancer Syndrome; Neoplastic Syndromes, Hereditary. Identifiers: Orphanet 140162, MedGen C0027672, MeSH D009386, MONDO:0015356.

Submission:

Ambry Genetics
Classification: Pathogenic for Hereditary cancer-predisposing syndrome. Last evaluated: 2023-07-17. Review status: criteria provided, single submitter. Criteria: Ambry Variant Classification Scheme 2023. Collection method: clinical testing. Allele origin: germline.
Comment: The c.2967delC pathogenic mutation, located in coding exon 10 of the BRCA2 gene, results from a deletion of one nucleotide at nucleotide position 2967, causing a translational frameshift with a predicted alternate stop codon (p.Y989*). This alteration is expected to result in loss of function by premature protein truncation or nonsense-mediated mRNA decay. As such, this alteration is interpreted as a disease-causing mutation.

NM_000059.4(BRCA2):c.2967del (p.Asp988_Tyr989insTer)

Gene: BRCA2 (BRCA2 DNA repair associated; plus strand). Cytogenetic location: 13q13.1.
Variant type: Deletion.
Coding change: c.2967del on transcript NM_000059.4 (MANE Select); coding-DNA position 2967, one base deleted (C; older notation c.2967delC).
Protein change: p.Asp988_Tyr989insTer.
Molecular consequence: nonsense. On other transcripts: non-coding transcript variant (1), intron variant (2).
Genome position (GRCh38, 1-based): chr13:32,337,322, C deleted. VCF-style (leftmost placement, unchanged base first): chr13-32337321-AC-A. GRCh37 (hg19) VCF-style: chr13-32911458-AC-A.
Other names: c.2967del, p.Asp988_Tyr989insTer (NM_001406719.1, NM_001406720.1); c.1909+3935del (NM_001406721.1); c.424+6292del (NM_001406722.1).
Identifiers: ClinVar variation 2586291 (VCV002586291.2), dbSNP rs2548524950, ClinGen allele CA2582341844.